The following is an entry in ClinVar:

ClinVar aggregate classification (germline): Uncertain significance. Review status: criteria provided, multiple submitters, no conflicts (2 of 4 stars). 2 submissions from 2 submitters: Uncertain significance (2). Last evaluated 2022-08-23.

Allele frequency attached by ClinVar (database versions not stated): gnomAD 0.00001; gnomAD exomes 0.00001; TOPMed 0.00002.
gnomAD v4.1: 11 of 1,614,084 alleles (0.00068%); highest among the groups gnomAD compares: Admixed American, 0.01%; no homozygotes.

Submissions (2):

Labcorp Genetics (formerly Invitae), Labcorp
Classification: Uncertain significance. Last evaluated: 2022-08-23. Review status: criteria provided, single submitter. Criteria: Invitae Variant Classification Sherloc (09022015). Collection method: clinical testing. Allele origin: germline.
Comment: In summary, the available evidence is currently insufficient to determine the role of this variant in disease. Therefore, it has been classified as a Variant of Uncertain Significance. Algorithms developed to predict the effect of missense changes on protein structure and function are either unavailable or do not agree on the potential impact of this missense change (SIFT: "Tolerated"; PolyPhen-2: "Not Available"; Align-GVGD: "Class C0"). This variant has not been reported in the literature in individuals affected with TMEM132E-related conditions. This variant is present in population databases (no rsID available, gnomAD 0.01%). This sequence change replaces lysine, which is basic and polar, with arginine, which is basic and polar, at codon 536 of the TMEM132E protein (p.Lys536Arg).

Blueprint Genetics
Classification: Uncertain significance. Last evaluated: 2022-07-18. Review status: criteria provided, single submitter. Criteria: ACMG Guidelines, 2015. Collection method: clinical testing. Allele origin: germline.

NM_001304438.2(TMEM132E):c.1607A>G (p.Lys536Arg)

Gene: TMEM132E (transmembrane protein 132E; plus strand). Cytogenetic location: 17q12.
Variant type: single nucleotide variant.
Coding change: c.1607A>G on transcript NM_001304438.2 (MANE Select); coding-DNA position 1607, A replaced by G.
Protein change: p.Lys536Arg; replaces lysine 536 with arginine.
Molecular consequence: missense variant.
Genome position (GRCh38, 1-based): chr17:34,632,828, A>G. VCF-style: chr17-34632828-A-G. GRCh37 (hg19) VCF-style: chr17-32959847-A-G.
Other names: short protein forms K536R.
Identifiers: ClinVar variation 2076477 (VCV002076477.5), dbSNP rs1357772953, ClinGen allele CA399072769.